The following is an entry in ClinVar:

ClinVar aggregate classification (germline): Uncertain significance. Review status: criteria provided, multiple submitters, no conflicts (2 of 4 stars). 2 submissions from 2 submitters: Uncertain significance (2). Last evaluated 2022-12-13.

Conditions:
Inborn genetic diseases. Identifiers: MedGen C0950123, MeSH D030342.

gnomAD v4.1: 13 of 1,610,472 alleles (0.00081%); highest among the groups gnomAD compares: South Asian, 0.0011%; no homozygotes.

Submissions (2):

Labcorp Genetics (formerly Invitae), Labcorp
Classification: Uncertain significance. Last evaluated: 2022-12-13. Review status: criteria provided, single submitter. Criteria: Invitae Variant Classification Sherloc (09022015). Collection method: clinical testing. Allele origin: germline.
Comment: In summary, the available evidence is currently insufficient to determine the role of this variant in disease. Therefore, it has been classified as a Variant of Uncertain Significance. Algorithms developed to predict the effect of missense changes on protein structure and function are either unavailable or do not agree on the potential impact of this missense change (SIFT: "Deleterious"; PolyPhen-2: "Probably Damaging"; Align-GVGD: "Class C0"). ClinVar contains an entry for this variant (Variation ID: 1497823). This sequence change replaces valine, which is neutral and non-polar, with phenylalanine, which is neutral and non-polar, at codon 447 of the CDH2 protein (p.Val447Phe). This variant is not present in population databases (gnomAD no frequency). This variant has not been reported in the literature in individuals affected with CDH2-related conditions.

Ambry Genetics
Classification: Uncertain significance for Inborn genetic diseases. Last evaluated: 2022-01-19. Review status: criteria provided, single submitter. Criteria: Ambry Variant Classification Scheme 2023. Collection method: clinical testing. Allele origin: germline.
Comment: The p.V447F variant (also known as c.1339G>T), located in coding exon 9 of the CDH2 gene, results from a G to T substitution at nucleotide position 1339. The valine at codon 447 is replaced by phenylalanine, an amino acid with highly similar properties. This amino acid position is conserved. In addition, this alteration is predicted to be deleterious by in silico analysis. Since supporting evidence is limited at this time, the clinical significance of this alteration remains unclear.

NM_001792.5(CDH2):c.1339G>T (p.Val447Phe)

Gene: CDH2 (cadherin 2; minus strand). Cytogenetic location: 18q12.1.
Variant type: single nucleotide variant.
Coding change: c.1339G>T on transcript NM_001792.5 (MANE Select); coding-DNA position 1339, G replaced by T.
Protein change: p.Val447Phe; replaces valine 447 with phenylalanine.
Molecular consequence: missense variant.
Genome position (GRCh38, 1-based): chr18:27,992,660, C>A on the plus strand (G>T on the coding strand, the complement: CDH2 is on the minus strand). VCF-style: chr18-27992660-C-A. GRCh37 (hg19) VCF-style: chr18-25572624-C-A.
Other names: c.1246G>T, p.Val416Phe (NM_001308176.2); short protein forms V416F, V447F.
Identifiers: ClinVar variation 1497823 (VCV001497823.10), dbSNP rs201819341, ClinGen allele CA297686417.